The following is an entry in ClinVar:

ClinVar aggregate classification (germline): Conflicting classifications of pathogenicity. Review status: criteria provided, conflicting classifications (1 of 4 stars). 2 submissions from 2 submitters: Uncertain significance (1); Likely benign (1). Last evaluated 2024-12-10.

Conditions:
Progressive sclerosing poliodystrophy (MTDPS4A). Also called: Alpers-Huttenlocher Syndrome (AHS); Alpers Syndrome; ALPERS PROGRESSIVE INFANTILE POLIODYSTROPHY; Mitochondrial DNA depletion syndrome 4A (Alpers type); ALPERS DIFFUSE DEGENERATION OF CEREBRAL GRAY MATTER WITH HEPATIC CIRRHOSIS; Alpers-Huttenlocher Syndrome. Identifiers: Orphanet 726, MedGen C0205710, MONDO:0008758, OMIM 203700.

Allele frequency attached by ClinVar (database versions not stated): gnomAD exomes below 0.00001; TOPMed below 0.00001; gnomAD 0.00001.

Submissions (2):

Labcorp Genetics (formerly Invitae), Labcorp
Classification: Uncertain significance for Progressive sclerosing poliodystrophy. Last evaluated: 2024-12-10. Review status: criteria provided, single submitter. Criteria: Invitae Variant Classification Sherloc (09022015). Collection method: clinical testing. Allele origin: germline.
Comment: This sequence change replaces leucine, which is neutral and non-polar, with isoleucine, which is neutral and non-polar, at codon 1158 of the POLG protein (p.Leu1158Ile). This variant is present in population databases (no rsID available, gnomAD no frequency). This variant has not been reported in the literature in individuals affected with POLG-related conditions. ClinVar contains an entry for this variant (Variation ID: 619439). Invitae Evidence Modeling of protein sequence and biophysical properties (such as structural, functional, and spatial information, amino acid conservation, physicochemical variation, residue mobility, and thermodynamic stability) indicates that this missense variant is expected to disrupt POLG protein function with a positive predictive value of 95%. In summary, the available evidence is currently insufficient to determine the role of this variant in disease. Therefore, it has been classified as a Variant of Uncertain Significance.

Wong Mito Lab, Molecular and Human Genetics, Baylor College of Medicine
Classification: Likely benign for Progressive sclerosing poliodystrophy. Last evaluated: 2018-10-01. Review status: criteria provided, single submitter. Criteria: ACMG Guidelines, 2015. Collection method: clinical testing. Allele origin: germline.
Comment: The NM_002693.2:c.3472C>A (NP_002684.1:p.Leu1158Ile) [GRCH38: NC_000015.10:g.89318551G>T] variant in POLG gene is interpretated to be a Likely Benign based on ACMG guidelines (PMID: 25741868). This variant meets the following evidence codes reported in the ACMG-guideline. BP4:Computational evidence/predictors indicate no impact on the POLG structure, function, or protein-protein interaction. BP6:Reputable source(s) without shared data suggest the variant is benign. Based on the evidence criteria codes applied, the variant is suggested to be Likely Benign.

NM_002693.3(POLG):c.3472C>A (p.Leu1158Ile)

Gene: POLG (DNA polymerase gamma, catalytic subunit; minus strand). Cytogenetic location: 15q26.1.
Variant type: single nucleotide variant.
Coding change: c.3472C>A on transcript NM_002693.3 (MANE Select); coding-DNA position 3472, C replaced by A.
Protein change: p.Leu1158Ile; replaces leucine 1158 with isoleucine.
Molecular consequence: missense variant.
Genome position (GRCh38, 1-based): chr15:89,318,551, G>T on the plus strand (C>A on the coding strand, the complement: POLG is on the minus strand). VCF-style: chr15-89318551-G-T. GRCh37 (hg19) VCF-style: chr15-89861782-G-T.
Other names: c.3472C>A, p.Leu1158Ile (NM_001126131.2); short protein forms L1158I.
Identifiers: ClinVar variation 619439 (VCV000619439.7), dbSNP rs1278715599, ClinGen allele CA10602277.